The following is an entry in ClinVar:

NM_001080414.4(CCDC88C):c.5059G>A (p.Asp1687Asn)

Gene: CCDC88C (coiled-coil domain containing 88C; minus strand). Cytogenetic location: 14q32.11.
Variant type: single nucleotide variant.
Coding change: c.5059G>A on transcript NM_001080414.4 (MANE Select); coding-DNA position 5059, G replaced by A.
Protein change: p.Asp1687Asn; replaces aspartic acid 1687 with asparagine.
Molecular consequence: missense variant.
Genome position (GRCh38, 1-based): chr14:91,273,653, C>T on the plus strand (G>A on the coding strand, the complement: CCDC88C is on the minus strand). VCF-style: chr14-91273653-C-T. GRCh37 (hg19) VCF-style: chr14-91739997-C-T.
Other names: short protein forms D1687N.
Identifiers: ClinVar variation 1948695 (VCV001948695.2), dbSNP rs1219056711, ClinGen allele CA390610966.
Genomic context (GRCh38, chr14:91,273,653, plus strand): 5'-GGGGATCGCTGGCCTTTCGGAAGTAGTCACTCAGCAGGTCATCCCGGCAACTGGGAGTGT[C>T]CTACGGAGAAGAGAGTGAAGGTTGGAGGTGGGCATGAGGGTTGGGTGGGTCCTTGGAGCC-3'
Protein context (NP_001073883.2, residues 1677-1697): EESNRSSPTH[Asp1687Asn]TPSCRDDLLS

ClinVar aggregate classification (germline): Uncertain significance (1 of 4 stars; one submission).

Allele frequency attached by ClinVar (database versions not stated): gnomAD 0.00001; gnomAD exomes 0.00002; TOPMed 0.00002.
gnomAD v4.1: 22 of 1,468,282 alleles (0.0015%); highest among the groups gnomAD compares: Non-Finnish European, 0.002%; no homozygotes.

Submission:

Labcorp Genetics (formerly Invitae), Labcorp
Classification: Uncertain significance. Last evaluated: 2022-09-13. Review status: criteria provided, single submitter. Criteria: Invitae Variant Classification Sherloc (09022015). Collection method: clinical testing. Allele origin: germline.
Comment: This sequence change replaces aspartic acid, which is acidic and polar, with asparagine, which is neutral and polar, at codon 1687 of the CCDC88C protein (p.Asp1687Asn). This variant is present in population databases (no rsID available, gnomAD 0.01%). This variant has not been reported in the literature in individuals affected with CCDC88C-related conditions. Algorithms developed to predict the effect of missense changes on protein structure and function are either unavailable or do not agree on the potential impact of this missense change (SIFT: "Deleterious"; PolyPhen-2: "Possibly Damaging"; Align-GVGD: "Class C0"). In summary, the available evidence is currently insufficient to determine the role of this variant in disease. Therefore, it has been classified as a Variant of Uncertain Significance.